The following is an entry in ClinVar:

NM_004655.4(AXIN2):c.1828C>T (p.Arg610Trp)

Gene: AXIN2 (axin 2; minus strand). Cytogenetic location: 17q24.1.
Variant type: single nucleotide variant.
Coding change: c.1828C>T on transcript NM_004655.4 (MANE Select); coding-DNA position 1828, C replaced by T.
Protein change: p.Arg610Trp; replaces arginine 610 with tryptophan.
Molecular consequence: missense variant. On other transcripts: intron variant (1).
Genome position (GRCh38, 1-based): chr17:65,536,948, G>A on the plus strand (C>T on the coding strand, the complement: AXIN2 is on the minus strand). VCF-style: chr17-65536948-G-A. GRCh37 (hg19) VCF-style: chr17-63533066-G-A.
Other names: c.1828C>T (LRG_296t1); c.1712+376C>T (NM_001363813.1); short protein forms R610W.
Identifiers: ClinVar variation 579452 (VCV000579452.17), dbSNP rs776445861, ClinGen allele CA8718517.

ClinVar aggregate classification (germline): Uncertain significance. Review status: criteria provided, multiple submitters, no conflicts (2 of 4 stars). 4 submissions from 4 submitters: Uncertain significance (4). Last evaluated 2025-11-05.

Conditions:
Hereditary cancer-predisposing syndrome. Also called: Neoplastic Syndromes, Hereditary; Tumor predisposition; Hereditary neoplastic syndrome; Hereditary Cancer Syndrome. Identifiers: Orphanet 140162, MedGen C0027672, MeSH D009386, MONDO:0015356.
Oligodontia-cancer predisposition syndrome. Also called: TOOTH AGENESIS-COLORECTAL CANCER SYNDROME. Identifiers: Orphanet 300576, MedGen C1837750, MONDO:0012075, OMIM 608615. Disease mechanism: loss of function.
Colorectal cancer. Also called: Colorectal cancer, somatic; Malignant Colorectal Neoplasm. Identifiers: MedGen C0346629, MONDO:0005575, OMIM 114500.

Allele frequency attached by ClinVar (database versions not stated): ExAC 0.00001.
gnomAD v4.1: 4 of 1,613,410 alleles (0.00025%); highest among the groups gnomAD compares: East Asian, 0.0022%; no homozygotes.

Submissions (4):

Labcorp Genetics (formerly Invitae), Labcorp
Classification: Uncertain significance for Oligodontia-cancer predisposition syndrome. Last evaluated: 2025-11-05. Review status: criteria provided, single submitter. Criteria: Invitae Variant Classification Sherloc (09022015). Collection method: clinical testing. Allele origin: germline.
Comment: This sequence change replaces arginine, which is basic and polar, with tryptophan, which is neutral and slightly polar, at codon 610 of the AXIN2 protein (p.Arg610Trp). This variant is present in population databases (rs776445861, gnomAD 0.006%). This variant has not been reported in the literature in individuals affected with AXIN2-related conditions. ClinVar contains an entry for this variant (Variation ID: 579452). Invitae Evidence Modeling of protein sequence and biophysical properties (such as structural, functional, and spatial information, amino acid conservation, physicochemical variation, residue mobility, and thermodynamic stability) indicates that this missense variant is not expected to disrupt AXIN2 protein function with a negative predictive value of 80%. In summary, the available evidence is currently insufficient to determine the role of this variant in disease. Therefore, it has been classified as a Variant of Uncertain Significance.

Ambry Genetics
Classification: Uncertain significance for Hereditary cancer-predisposing syndrome. Last evaluated: 2025-07-05. Review status: criteria provided, single submitter. Criteria: Ambry Variant Classification Scheme 2023. Collection method: clinical testing. Allele origin: germline.
Comment: The p.R610W variant (also known as c.1828C>T), located in coding exon 6 of the AXIN2 gene, results from a C to T substitution at nucleotide position 1828. The arginine at codon 610 is replaced by tryptophan, an amino acid with dissimilar properties. This amino acid position is poorly conserved in available vertebrate species. In addition, this alteration is predicted to be tolerated by in silico analysis. Since supporting evidence is limited at this time, the clinical significance of this alteration remains unclear.

Baylor Genetics
Classification: Uncertain significance for Colorectal cancer. Last evaluated: 2024-01-17. Review status: criteria provided, single submitter. Criteria: ACMG Guidelines, 2015. Collection method: clinical testing. Allele origin: unknown.

GeneDx
Classification: Uncertain significance. Last evaluated: 2022-04-12. Review status: criteria provided, single submitter. Criteria: GeneDx Variant Classification Process June 2021. Collection method: clinical testing. Allele origin: germline. Affected: yes.
Comment: Not observed at significant frequency in large population cohorts (gnomAD); In silico analysis supports that this missense variant does not alter protein structure/function; Has not been previously published as pathogenic or benign to our knowledge